The following is an entry in ClinVar:

ClinVar aggregate classification (germline): Benign (0 of 4 stars; one submission).

Conditions:
NFASC-related disorder. Also called: NFASC-related condition.

Allele frequency attached by ClinVar (database versions not stated): 1000 Genomes Project 0.00479; 1000 Genomes Project 30x 0.00500; TOPMed 0.01079; gnomAD 0.01122; ESP Exome Variant Server 0.01176; ExAC 0.01274; gnomAD exomes 0.01503.
gnomAD v4.1: 23,512 of 1,614,148 alleles (1.5%); highest among the groups gnomAD compares: Non-Finnish European, 1.7%; 219 homozygotes.

Submission:

PreventionGenetics, part of Exact Sciences
Classification: Benign for NFASC-related condition. Last evaluated: 2019-02-19. Review status: no assertion criteria provided. Collection method: clinical testing. Allele origin: germline.
Comment: This variant is classified as benign based on ACMG/AMP sequence variant interpretation guidelines (Richards et al. 2015 PMID: 25741868, with internal and published modifications).

NM_001005388.3(NFASC):c.1335C>T (p.Tyr445=)

Gene: NFASC (neurofascin; plus strand). Cytogenetic location: 1q32.1.
Variant type: single nucleotide variant.
Coding change: c.1335C>T on transcript NM_001005388.3 (MANE Select); coding-DNA position 1335, C replaced by T.
Protein change: p.Tyr445=; no amino-acid change (tyrosine 445 retained).
Molecular consequence: synonymous variant. On other transcripts: non-coding transcript variant (1).
Genome position (GRCh38, 1-based): chr1:204,974,234, C>T. VCF-style: chr1-204974234-C-T. GRCh37 (hg19) VCF-style: chr1-204943362-C-T.
Other names: c.1335C>T, p.Tyr445= (NM_001005389.2, NM_001378329.1); c.1368C>T, p.Tyr456= (NM_001160331.2, NM_001160332.2, NM_001365986.1 and 3 more transcripts); c.1317C>T, p.Tyr439= (NM_001160333.2).
Identifiers: ClinVar variation 3037598 (VCV003037598.2), dbSNP rs147248519, ClinGen allele CA1349893.